The following is an entry in ClinVar:

NM_000080.4(CHRNE):c.802+2T>A

Genes: C17orf107 (chromosome 17 open reading frame 107; plus strand), CHRNE (cholinergic receptor nicotinic epsilon subunit; minus strand). Cytogenetic location: 17p13.2.
Variant type: single nucleotide variant.
Coding change: c.802+2T>A on transcript NM_000080.4 (MANE Select); the canonical splice donor site of the intron after coding-DNA position 802, T replaced by A.
Molecular consequence: splice donor variant. On other transcripts: 3 prime UTR variant (1).
Genome position (GRCh38, 1-based): chr17:4,900,988, A>T on the plus strand (T>A on the coding strand, the complement: CHRNE is on the minus strand). VCF-style: chr17-4900988-A-T. GRCh37 (hg19) VCF-style: chr17-4804283-A-T.
Other names: c.*455A>T (NM_001145536.2).
Identifiers: ClinVar variation 2881150 (VCV002881150.3), dbSNP rs2151097188, ClinGen allele CA397304689.

ClinVar aggregate classification (germline): Pathogenic (1 of 4 stars; one submission).

Conditions:
Congenital myasthenic syndrome 4A. Also called: CONGENITAL MYASTHENIC SYNDROME TYPE Ia1; Myasthenic syndrome, congenital, 4a, slow-channel; MYASTHENIC SYNDROME, CONGENITAL, 4A, SLOW-CHANNEL, AUTOSOMAL RECESSIVE. Identifiers: Orphanet 590, MedGen C4225413, MONDO:0011600, OMIM 605809.

Submission:

Labcorp Genetics (formerly Invitae), Labcorp
Classification: Pathogenic for Congenital myasthenic syndrome 4A. Last evaluated: 2023-02-06. Review status: criteria provided, single submitter. Criteria: Invitae Variant Classification Sherloc (09022015). Collection method: clinical testing. Allele origin: germline.
Comment: Algorithms developed to predict the effect of sequence changes on RNA splicing suggest that this variant may disrupt the consensus splice site. Disruption of this splice site has been observed in individuals with autosomal recessive congenital myasthenic syndrome (PMID: 9708546, 31773638). It has also been observed to segregate with disease in related individuals. This variant is not present in population databases (gnomAD no frequency). This sequence change affects a donor splice site in intron 7 of the CHRNE gene. It is expected to disrupt RNA splicing. Variants that disrupt the donor or acceptor splice site typically lead to a loss of protein function (PMID: 16199547), and loss-of-function variants in CHRNE are known to be pathogenic (PMID: 22678886). For these reasons, this variant has been classified as Pathogenic.

Literature cited by the submitters: PubMed 9708546; PubMed 31773638; PubMed 16199547; PubMed 22678886.